The following is an entry in ClinVar:

NM_024940.8(DOCK5):c.2439+3C>A

Gene: DOCK5 (dedicator of cytokinesis 5; plus strand). Cytogenetic location: 8p21.2.
Variant type: single nucleotide variant.
Coding change: c.2439+3C>A on transcript NM_024940.8 (MANE Select); 3 bases into the intron after coding-DNA position 2439, C replaced by A.
Molecular consequence: intron variant.
Genome position (GRCh38, 1-based): chr8:25,340,991, C>A. VCF-style: chr8-25340991-C-A. GRCh37 (hg19) VCF-style: chr8-25198507-C-A.
Identifiers: ClinVar variation 4984565 (VCV004984565.1).

ClinVar aggregate classification (germline): Likely benign (1 of 4 stars; one submission).

Conditions:
DOCK5-related condition.

gnomAD v4.1: 88 of 1,606,514 alleles (0.0055%); highest among the groups gnomAD compares: African/African-American, 0.11%; no homozygotes.

Submission:

PreventionGenetics, part of Exact Sciences
Classification: Likely benign for DOCK5-related condition. Last evaluated: 2026-06-04. Review status: criteria provided, single submitter. Criteria: ACMG Guidelines, 2015. Collection method: clinical testing. Allele origin: germline.
Comment: This variant is classified as likely benign based on ACMG/AMP sequence variant interpretation guidelines (Richards et al. 2015 PMID: 25741868, with internal and published modifications).